The following is an entry in ClinVar:

NM_007118.4(TRIO):c.3235A>T (p.Arg1079Trp)

Gene: TRIO (trio Rho guanine nucleotide exchange factor; plus strand). Cytogenetic location: 5p15.2.
Variant type: single nucleotide variant.
Coding change: c.3235A>T on transcript NM_007118.4 (MANE Select); coding-DNA position 3235, A replaced by T.
Protein change: p.Arg1079Trp; replaces arginine 1079 with tryptophan.
Molecular consequence: missense variant. On other transcripts: non-coding transcript variant (1).
Genome position (GRCh38, 1-based): chr5:14,374,247, A>T. VCF-style: chr5-14374247-A-T. GRCh37 (hg19) VCF-style: chr5-14374356-A-T.
Other names: short protein forms R1079W.
Identifiers: ClinVar variation 4855357 (VCV004855357.1).

ClinVar aggregate classification (germline): Uncertain significance (1 of 4 stars; one submission).

Conditions:
Intellectual developmental disorder, autosomal dominant 63, with macrocephaly. Also called: MENTAL RETARDATION, AUTOSOMAL DOMINANT 63, WITH MACROCEPHALY. Identifiers: MedGen C5394205, MONDO:0032939, OMIM 618825.

Submission:

3billion
Classification: Uncertain significance for Intellectual developmental disorder, autosomal dominant 63, with macrocephaly. Last evaluated: 2026-01-30. Review status: criteria provided, single submitter. Criteria: ACMG Guidelines, 2015. Collection method: clinical testing. Allele origin: germline. Affected: yes.
Comment: The variant is not observed in the gnomAD v4.1.0 dataset. Predicted Consequence/Location: Missense variant In silico tool predictions suggest damaging effect of the variant on gene or gene product [3Cnet: 0.90 (> 0.75, sensitivity 0.96 and precision 0.92)]. Different missense changes at the same codon have been reported as of uncertain significance (ClinVar ID: VCV001223797). Therefore, this variant is classified as VUS according to the recommendation of ACMG/AMP guideline.